The following is an entry in ClinVar:

NM_001128840.3(CACNA1D):c.1105G>A (p.Val369Met)

Gene: CACNA1D (calcium voltage-gated channel subunit alpha1 D; plus strand). Cytogenetic location: 3p21.1.
Variant type: single nucleotide variant.
Coding change: c.1105G>A on transcript NM_001128840.3 (MANE Select); coding-DNA position 1105, G replaced by A.
Protein change: p.Val369Met; replaces valine 369 with methionine.
Molecular consequence: missense variant.
Genome position (GRCh38, 1-based): chr3:53,666,524, G>A. VCF-style: chr3-53666524-G-A. GRCh37 (hg19) VCF-style: chr3-53700551-G-A.
Other names: c.1105G>A, p.Val369Met (NM_000720.4, NM_001128839.3); short protein forms V369M.
Identifiers: ClinVar variation 2378579 (VCV002378579.7), dbSNP rs148674323, ClinGen allele CA2453820.

ClinVar aggregate classification (germline): Uncertain significance. Review status: criteria provided, multiple submitters, no conflicts (2 of 4 stars). 5 submissions from 5 submitters: Uncertain significance (4). 1 of the submissions does not count toward it. Last evaluated 2026-03-02.

Conditions:
Sinoatrial node dysfunction and deafness (SANDD). Identifiers: Orphanet 324321, MedGen C3554018, MONDO:0013960, OMIM 614896.
Meniere disease. Also called: Ménière's disease. Identifiers: MedGen C0025281, MONDO:0007972, OMIM 156000.
Inborn genetic diseases. Identifiers: MedGen C0950123, MeSH D030342.

Allele frequency attached by ClinVar (database versions not stated): gnomAD exomes 0.00002; ExAC 0.00004; TOPMed 0.00007; ESP Exome Variant Server 0.00008; gnomAD 0.00011; 1000 Genomes Project 30x 0.00016; 1000 Genomes Project 0.00020.
gnomAD v4.1: 56 of 1,613,254 alleles (0.0035%); highest among the groups gnomAD compares: Middle Eastern, 0.099%; 1 homozygote.

Submissions (5):

Dasa
Classification: Uncertain significance. Last evaluated: 2026-03-02. Review status: criteria provided, single submitter. Criteria: DASA Assertion Criteria. Collection method: clinical testing. Allele origin: germline.
Comment: NM_001128840.3(CACNA1D):c.1105G>A (p.Val369Met) is a missense variant that results in the substitution of valine with methionine. This variant is rare in population databases. Computational prediction algorithms are consistent with a deleterious effect. The currently available literature and clinical evidence are not sufficient to establish a definitive association between this variant and the reported condition. Therefore, this variant is classified as a variant of uncertain significance.

Genomic Medicine Center of Excellence, King Faisal Specialist Hospital and Research Centre
Classification: Uncertain significance for Sinoatrial node dysfunction and deafness. Last evaluated: 2025-09-10. Review status: criteria provided, single submitter. Criteria: ACMG Guidelines, 2015. Collection method: clinical testing. Allele origin: germline.

Blueprint Genetics
Classification: Uncertain significance. Last evaluated: 2023-06-13. Review status: criteria provided, single submitter. Criteria: ACMG Guidelines, 2015. Collection method: clinical testing. Allele origin: germline.

Ambry Genetics
Classification: Uncertain significance for Inborn genetic diseases. Last evaluated: 2021-06-23. Review status: criteria provided, single submitter. Criteria: Ambry Variant Classification Scheme 2023. Collection method: clinical testing. Allele origin: germline.

Center for Computational Biology & Bioinformatics, University of California, San Diego
Classification: Uncertain significance for Meniere disease. Last evaluated: 2024-06-03. Review status: no assertion criteria provided. Collection method: research. Allele origin: germline. Affected: yes. Not counted in ClinVar's aggregate classification.